The following is an entry in ClinVar:

ClinVar aggregate classification (germline): Benign/Likely benign. Review status: criteria provided, multiple submitters, no conflicts (2 of 4 stars). 3 submissions from 3 submitters: Benign (1); Likely benign (1). 1 of the submissions does not count toward it. Last evaluated 2026-01-19.

Conditions:
IARS2-related disorder. Also called: IARS2-related condition.

Allele frequency attached by ClinVar (database versions not stated): ExAC 0.00089; gnomAD exomes 0.00120 and 0.00055; gnomAD 0.00017; TOPMed 0.00060.
gnomAD v4.1: 356 of 1,613,016 alleles (0.022%); highest among the groups gnomAD compares: Admixed American, 0.59%; 4 homozygotes.

Submissions (3):

Labcorp Genetics (formerly Invitae), Labcorp
Classification: Likely benign. Last evaluated: 2026-01-19. Review status: criteria provided, single submitter. Criteria: Invitae Variant Classification Sherloc (09022015). Collection method: clinical testing. Allele origin: germline.

Mayo Clinic Laboratories, Mayo Clinic
Classification: Benign. Last evaluated: 2025-07-08. Review status: criteria provided, single submitter. Criteria: ACMG Guidelines, 2015. Collection method: clinical testing. Allele origin: germline. Observed: 2 variant alleles.
Comment: BA1, BS2, BP4_moderate

PreventionGenetics, part of Exact Sciences
Classification: Benign for IARS2-related condition. Last evaluated: 2020-09-30. Review status: no assertion criteria provided. Collection method: clinical testing. Allele origin: germline. Not counted in ClinVar's aggregate classification.
Comment: This variant is classified as benign based on ACMG/AMP sequence variant interpretation guidelines (Richards et al. 2015 PMID: 25741868, with internal and published modifications).

NM_018060.4(IARS2):c.137C>T (p.Ser46Phe)

Gene: IARS2 (isoleucyl-tRNA synthetase 2, mitochondrial; plus strand). Cytogenetic location: 1q41.
Variant type: single nucleotide variant.
Coding change: c.137C>T on transcript NM_018060.4 (MANE Select); coding-DNA position 137, C replaced by T.
Protein change: p.Ser46Phe; replaces serine 46 with phenylalanine.
Molecular consequence: missense variant.
Genome position (GRCh38, 1-based): chr1:220,094,353, C>T. VCF-style: chr1-220094353-C-T. GRCh37 (hg19) VCF-style: chr1-220267695-C-T.
Other names: p.Ser46Phe; short protein forms S46F.
Identifiers: ClinVar variation 769551 (VCV000769551.12), dbSNP rs772530946, ClinGen allele CA1401042.